The following continues an entry in ClinVar:

NM_000441.2(SLC26A4):c.707T>C (p.Leu236Pro)

Gene: SLC26A4. ClinVar aggregate classification (germline): Pathogenic/Likely pathogenic. Pathogenic (21); Likely pathogenic (3).

Submissions 12 to 29 of 29:

Centre for Clinical Genetics and Genomic Diagnostics, Zealand University Hospital
Classification: Pathogenic. Last evaluated: 2023-08-22. Review status: criteria provided, single submitter. Criteria: ACMG Guidelines, 2015. Collection method: clinical testing. Allele origin: germline.

Department of Human Genetics, Hannover Medical School
Classification: Pathogenic for Pendred syndrome. Last evaluated: 2023-06-22. Review status: criteria provided, single submitter. Criteria: ACMG Guidelines, 2015. Collection method: clinical testing. Allele origin: germline. Inheritance: Autosomal recessive inheritance. Affected: yes.

Genome-Nilou Lab
Classification: Likely pathogenic for Autosomal recessive nonsyndromic hearing loss 4. Last evaluated: 2021-09-05. Review status: criteria provided, single submitter. Criteria: ACMG Guidelines, 2015. Collection method: clinical testing. Allele origin: germline. Affected: no.

Genome-Nilou Lab
Classification: Likely pathogenic for Pendred syndrome. Last evaluated: 2021-09-05. Review status: criteria provided, single submitter. Criteria: ACMG Guidelines, 2015. Collection method: clinical testing. Allele origin: germline. Affected: no.

Department of Otolaryngology – Head & Neck Surgery, Cochlear Implant Center
Classification: Likely pathogenic for Hearing impairment. Last evaluated: 2021-04-12. Review status: criteria provided, single submitter. Criteria: ClinGen HL ACMG Specifications v1. Collection method: clinical testing. Allele origin: germline. Affected: yes.
Comment: PS1_Strong, PM2_Supporting, BP4_Supporting

GeneDx
Classification: Pathogenic. Last evaluated: 2020-05-20. Review status: criteria provided, single submitter. Criteria: GeneDx Variant Classification Process June 2021. Collection method: clinical testing. Allele origin: germline. Affected: yes.
Comment: Published functional studies demonstrate a damaging effect due to improper intracellular localization of pendrin and loss of pendrin-induced iodide and chloride transport (Scott et al., 2000; Yoon et al., 2008); Common variant in Caucasian populations, accounting for approximately 10% of pathogenic alleles in published studies of Western European individuals (Tsukada et al., 2015); In silico analysis, which includes protein predictors and evolutionary conservation, supports a deleterious effect; This variant is associated with the following publications: (PMID: 22975760, 26969326, 11317356, 31827275, 12354788, 10861298, 18310264, 9618166, 26022370, 10700480, 20553101, 9618167, 22717225, 27771369, 31163360, 15689455, 20597900, 25999548, 31980526, 31589614)

Revvity Omics, Revvity
Classification: Pathogenic. Last evaluated: 2019-12-03. Review status: criteria provided, single submitter. Criteria: ACMG Guidelines, 2015. Collection method: clinical testing. Allele origin: germline.

Myriad Genetics, Inc.
Classification: Pathogenic for Pendred syndrome. Last evaluated: 2019-11-12. Review status: criteria provided, single submitter. Criteria: Myriad Women's Health Autosomal Recessive and X-Linked Classification Criteria (2019). Collection method: clinical testing. Allele origin: unknown.
Comment: NM_000441.1(SLC26A4):c.707T>C(L236P) is classified as pathogenic in the context of Pendred syndrome. Sources cited for classification include the following: PMID 9618167, 9618166, 18310264 and 12354788. Classification of NM_000441.1(SLC26A4):c.707T>C(L236P) is based on the following criteria: This is a well-established pathogenic variant in the literature that has been observed more frequently in patients with clinical diagnoses than in healthy populations. Please note: this variant was assessed in the context of healthy population screening.

Fulgent Genetics
Classification: Pathogenic for Pendred syndrome; Autosomal recessive nonsyndromic hearing loss 4. Last evaluated: 2018-10-31. Review status: criteria provided, single submitter. Criteria: ACMG Guidelines, 2015. Collection method: clinical testing. Allele origin: unknown.

HudsonAlpha Institute for Biotechnology
Classification: Pathogenic for Pendred syndrome. Last evaluated: 2018-10-22. Review status: criteria provided, single submitter. Criteria: ACMG Guidelines, 2015. Collection method: research. Allele origin: maternal. Affected: yes. Observed: 1 variant allele. Study: HudsonAlpha-AGHI-WGS.

Illumina Laboratory Services, Illumina
Classification: Pathogenic for SLC26A4-Related Disorders. Last evaluated: 2018-09-21. Review status: criteria provided, single submitter. Criteria: ICSL Variant Classification Criteria 09 May 2019. Collection method: clinical testing. Allele origin: germline.
Comment: The SLC26A4 c.707T>C (p.Leu236Pro) missense variant is well described in the literature and is one of the three most common pathogenic variants in SLC26A4, which together account for 50% of the disease-causing alleles in probands with Pendred syndrome of northern European descent (Alasti et al. 2014; Tsukada et al. 2015). Across a selection of available literature, the p.Leu236Pro variant has been reported in at least four individuals in a homozygous state, 13 individuals in a compound heterozygous state, and one individual in a heterozygous state, all affected with Pendred syndrome (van Hauwe et al. 1998; Coyle et al. 1998; Campbell et al. 2001). The variant has also been reported in individuals affected with hearing loss, including two in a compound heterozygous state and five in a heterozygous state (Yan et al. 2017). Campbell et al. (2001) demonstrated segregation with disease in at least one multiplex family with temporal bone abnormalities. Haplotype analysis suggests a common founder effect for this variant (van Hauwe et al. 2008; Coyle et al. 1998). The p.Leu236Pro variant was absent from 257 control individuals (van Hauwe et al. 1998; Coyle et al. 1998; Campbell et al. 2001; Yan et al. 2017) and is reported at a frequency of 0.00105 in the European American population of the Exome Sequencing Project. Functional studies by Rotman-Pikielny et al. (2002) demonstrated that the variant protein is retained in the endoplasmic reticulum (ER) whereas the wild type protein targets to the plasma membrane. Yoon et al. (2008) confirmed the initial localization of the p.Leu236Pro variant protein in the ER and showed that after time, the protein was concentrated at the centrosome. They further determined that Cl-/HCO3- ion exchange activity of the variant protein was notably decreased, and that the variant was not temperature sensitive. Based on collective evidence, the p.Leu236Pro variant is classified as pathogenic for SLC26A4-related disorders. This variant was observed by ICSL as part of a predisposition screen in an ostensibly healthy population.

Eurofins Ntd Llc (ga)
Classification: Pathogenic. Last evaluated: 2017-10-02. Review status: criteria provided, single submitter. Criteria: EGL Classification Definitions 2015. Collection method: clinical testing. Allele origin: germline. Observed: 3 variant alleles, 3 heterozygotes.

Laboratory for Molecular Medicine, Mass General Brigham Personalized Medicine
Classification: Pathogenic for Rare genetic deafness. Last evaluated: 2017-05-04. Review status: criteria provided, single submitter. Criteria: LMM Criteria. Collection method: clinical testing. Allele origin: germline. Inheritance: Autosomal recessive inheritance. Observed: 16 variant alleles.
Comment: The p.Leu236Pro variant in SLC26A4 has been reported in at least 15 individuals with either nonsyndromic hearing loss or Pendred syndrome who were homozygous or compound heterozygous, and it segregated in 4 affected family members from 2 fa milies (Busi 2012, Pryor 2005, Pourova 2010, Siem 2010, Van Hauwe 1998, LMM data ). One in vitro functional analysis study suggests the variant may impact normal intracellular trafficking of the protein (Rotman-Pikielny 2002). The p.Leu236Pr o variant has been identified in 0.1% (78/126638) of European chromosomes by the Genome Aggregation Database (gnomAD; dbSNP rs 80338848). Although this variant has been seen in the general population, its fr equency is low enough to be consistent with a recessive carrier frequency. In su mmary, this variant meets criteria to be classified as pathogenic for autosomal recessive hearing loss based on bi-allelic occurrences in multiple affected indi viduals, segregation studies, functional evidence, and low frequency in the gene ral population. ACMG/AMP criteria applied: PM3_VeryStrong, PP1_Moderate, PS3_Sup porting.

OMIM
Classification: Pathogenic for PENDRED SYNDROME. Last evaluated: 2008-07-01. Review status: no assertion criteria provided. Collection method: literature only. Allele origin: germline. Not counted in ClinVar's aggregate classification.

Clinical Genetics DNA and cytogenetics Diagnostics Lab, Erasmus MC, Erasmus Medical Center
Classification: Pathogenic. Review status: no assertion criteria provided. Collection method: clinical testing. Allele origin: germline. Affected: yes. Study: VKGL Data-share Consensus. Not counted in ClinVar's aggregate classification.

Department of Pathology and Laboratory Medicine, Sinai Health System
Classification: Pathogenic. Review status: no assertion criteria provided. Collection method: clinical testing. Allele origin: unknown. Affected: yes. Study: The Canadian Open Genetics Repository (COGR). Not counted in ClinVar's aggregate classification.
Comment: The SLC26A4 p.L236P variant has been reported in multiple homozygous or compound heterozygous individuals with hearing loss or hearing impairment (Yan_2017_PMID:28273078; Tang_2015_PMID:25991456; Pryor_2005_PMID:15689455; Pourova_2010_PMID:20597900; Busi_2012_PMID:22717225; Campbell_2001_PMID:11317356; Siem_2010_PMID:20553101; Van Hauwe_1998_PMID:9618166). The variant was identified in dbSNP (ID: rs80338848) and ClinVar (classified as pathogenic by Invitae, GeneDx, EGL Genetic Diagnostics and nine other submitters). The variant was identified in control databases in 83 of 282766 chromosomes (0 homozygous) at a frequency of 0.0002935, and was observed at the highest frequency in the European (non-Finnish) population in 77 of 129104 chromosomes (freq: 0.0005964) (Genome Aggregation Database March 6, 2019, v2.1.1). The p.L236 residue is conserved in mammals and computational analyses (MUT Assesor, PolyPhen-2, SIFT, MutationTaster, Revel, FATHMM, MetaLR, DANN) suggest that the variant may impact the protein; however, this information is not predictive enough to assume pathogenicity. Functional studies have shown that this variant causes protein mislocalization and impaired iodide/chloride transport activity compared to wild type (Scott_2000_PMID:10861298, Rotman-Pikielny_2002_PMID:12354788, Yoon_2008_PMID:18310264). The variant occurs outside of the splicing consensus sequence and in silico or computational prediction software programs (Splice AI exome) do not predict a difference in splicing. In summary, based on the above information this variant meets our laboratoryâ€šÃ„Ã´s criteria to be classified as pathogenic.

GeneReviews
No classification provided. Condition: Pendred syndrome. Review status: no classification provided. Collection method: literature only. Allele origin: germline. Not counted in ClinVar's aggregate classification.

Joint Genome Diagnostic Labs from Nijmegen and Maastricht, Radboudumc and MUMC+
Classification: Pathogenic. Review status: no assertion criteria provided. Collection method: clinical testing. Allele origin: germline. Affected: yes. Study: VKGL Data-share Consensus. Not counted in ClinVar's aggregate classification.

Literature cited by the submitters: PubMed 20301640 (cited by 3 submitters); PubMed 9618166 (cited by 7 submitters); PubMed 15689455 (cited by 3 submitters); PubMed 20553101 (cited by 3 submitters); PubMed 20597900 (cited by 3 submitters); PubMed 26969326 (cited by Labcorp Genetics (formerly Invitae), Labcorp and Mayo Clinic Laboratories, Mayo Clinic); PubMed 10861298 (cited by 4 submitters); PubMed 12354788 (cited by 5 submitters); PubMed 18310264 (cited by 6 submitters); PubMed 23336812 (cited by Natera, Inc. and Women's Health and Genetics/Laboratory Corporation of America, LabCorp); PubMed 30113565 (cited by Ambry Genetics); PubMed 31827275 (cited by Ambry Genetics); PubMed 36833263 (cited by Ambry Genetics and Mayo Clinic Laboratories, Mayo Clinic); PubMed 10700480 (cited by Mayo Clinic Laboratories, Mayo Clinic and Laboratory for Molecular Medicine, Mass General Brigham Personalized Medicine); PubMed 11317356 (cited by 3 submitters); PubMed 22717225 (cited by Mayo Clinic Laboratories, Mayo Clinic and Laboratory for Molecular Medicine, Mass General Brigham Personalized Medicine); PubMed 25999548 (cited by Mayo Clinic Laboratories, Mayo Clinic and Illumina Laboratory Services, Illumina); PubMed 28273078 (cited by Mayo Clinic Laboratories, Mayo Clinic and Illumina Laboratory Services, Illumina); PubMed 34410491 (cited by Mayo Clinic Laboratories, Mayo Clinic); PubMed 37996878 (cited by Mayo Clinic Laboratories, Mayo Clinic); PubMed 9618167 (cited by 5 submitters); PubMed 18283249 (cited by Laboratory for Molecular Medicine, Mass General Brigham Personalized Medicine); NCBI Bookshelf NBK1467 (cited by GeneReviews).